The following is an entry in ClinVar:

ClinVar aggregate classification (germline): Pathogenic. Review status: criteria provided, multiple submitters, no conflicts (2 of 4 stars). 3 submissions from 3 submitters: Pathogenic (3). Last evaluated 2023-06-12.

Conditions:
Cardiovascular phenotype. Identifiers: MedGen CN230736.
KCNQ1-related disorder. Also called: KCNQ1-related disorders; KCNQ1-related condition. Identifiers: MedGen CN239322.

Submissions (3):

Blueprint Genetics
Classification: Pathogenic for KCNQ1-related disorders. Last evaluated: 2023-06-12. Review status: criteria provided, single submitter. Criteria: ACMG Guidelines, 2015. Collection method: clinical testing. Allele origin: germline. Affected: yes. Observed: 3 variant alleles.

Molecular Diagnostic Laboratory for Inherited Cardiovascular Disease, Montreal Heart Institute
Classification: Pathogenic for Cardiovascular phenotype. Last evaluated: 2022-11-14. Review status: criteria provided, single submitter. Criteria: ACMG Guidelines, 2015. Collection method: clinical testing. Allele origin: germline. Affected: yes.

GeneDx
Classification: Pathogenic. Last evaluated: 2019-03-08. Review status: criteria provided, single submitter. Criteria: GeneDx Variant Classification Process June 2021. Collection method: clinical testing. Allele origin: germline. Affected: yes.
Comment: Not observed at a significant frequency in large population cohorts (Lek et al., 2016); Frameshift variant predicted to result in protein truncation or nonsense mediated decay in a gene for which loss-of-function is a known mechanism of disease; This variant is associated with the following publications: (PMID: 10704188, 11530100, 15935335, 11140949)

NM_000218.3(KCNQ1):c.1008del (p.Ile337fs)

Gene: KCNQ1 (potassium voltage-gated channel subfamily Q member 1; plus strand). Cytogenetic location: 11p15.5.
Variant type: Deletion.
Coding change: c.1008del on transcript NM_000218.3 (MANE Select); coding-DNA position 1008, one base deleted (C; older notation c.1008delC).
Protein change: p.Ile337fs; shifts the reading frame from isoleucine 337.
Molecular consequence: frameshift variant.
Genome position (GRCh38, 1-based): chr11:2,583,521, C deleted; the last of 2 consecutive C bases (chr11:2,583,520-2,583,521); deleting either gives the same sequence. VCF-style (leftmost placement, unchanged base first): chr11-2583519-GC-G. GRCh37 (hg19) VCF-style: chr11-2604749-GC-G.
Other names: c.1008delC, p.Ile337Serfs (NM_000218.2, NM_001406836.1); c.738delC, p.Ile247Serfs (NM_001406837.1); c.564delC, p.Ile189Serfs (NM_001406838.1); c.627delC, p.Ile210Serfs (NM_181798.2); short protein forms I210fs, I337fs.
Identifiers: ClinVar variation 52927 (VCV000052927.7), dbSNP rs397508067, ClinGen allele CA004806.
Genomic context (GRCh38, chr11:2,583,519, plus strand): 5'-GGGGACAAGGTGCCCCAGACGTGGGTCGGGAAGACCATCGCCTCCTGCTTCTCTGTCTTT[GC>G]CATCTCCTTCTTTGCGCTCCCAGCGGTAGGTGCCCCGTGGGTGCGTTTTCCCTGGCTCCT-3'